The following is an entry in ClinVar:

ClinVar aggregate classification (germline): Uncertain significance (1 of 4 stars; one submission).

Submission:

Labcorp Genetics (formerly Invitae), Labcorp
Classification: Uncertain significance. Last evaluated: 2025-09-19. Review status: criteria provided, single submitter. Criteria: Invitae Variant Classification Sherloc (09022015). Collection method: clinical testing. Allele origin: germline.
Comment: This sequence change replaces arginine, which is basic and polar, with leucine, which is neutral and non-polar, at codon 130 of the OAS1 protein (p.Arg130Leu). This variant is present in population databases (no rsID available, gnomAD 0.003%). This variant has not been reported in the literature in individuals affected with OAS1-related conditions. An algorithm developed to predict the effect of missense changes on protein structure and function (PolyPhen-2) suggests that this variant is likely to be disruptive. In summary, the available evidence is currently insufficient to determine the role of this variant in disease. Therefore, it has been classified as a Variant of Uncertain Significance.

NM_016816.4(OAS1):c.389G>T (p.Arg130Leu)

Gene: OAS1 (2'-5'-oligoadenylate synthetase 1; plus strand). Cytogenetic location: 12q24.13.
Variant type: single nucleotide variant.
Coding change: c.389G>T on transcript NM_016816.4 (MANE Select); coding-DNA position 389, G replaced by T.
Protein change: p.Arg130Leu; replaces arginine 130 with leucine.
Molecular consequence: missense variant. On other transcripts: intron variant (4), non-coding transcript variant (9).
Genome position (GRCh38, 1-based): chr12:112,908,744, G>T. VCF-style: chr12-112908744-G-T. GRCh37 (hg19) VCF-style: chr12-113346549-G-T.
Other names: c.389G>T, p.Arg130Leu (NM_001032409.3, NM_001320151.2, NM_001406020.1 and 6 more transcripts); c.180+1525G>T (NM_001406026.1, NM_001406030.1, NM_001406029.1 and 1 more transcripts); short protein forms R130L.
Identifiers: ClinVar variation 4760526 (VCV004760526.1).